The following is an entry in ClinVar:

ClinVar aggregate classification (germline): Conflicting classifications of pathogenicity. Review status: criteria provided, conflicting classifications (1 of 4 stars). 4 submissions from 4 submitters: Uncertain significance (3); Likely benign (1). Last evaluated 2025-12-22.

Conditions:
Inborn genetic diseases. Identifiers: MedGen C0950123, MeSH D030342.

Allele frequency attached by ClinVar (database versions not stated): gnomAD exomes below 0.00001 and 0.00001; ExAC 0.00002; gnomAD 0.00003; TOPMed 0.00007; 1000 Genomes Project 30x 0.00016; 1000 Genomes Project 0.00020.
gnomAD v4.1: 8 of 1,613,360 alleles (0.0005%); highest among the groups gnomAD compares: Admixed American, 0.01%; no homozygotes.

Submissions (4):

Labcorp Genetics (formerly Invitae), Labcorp
Classification: Likely benign. Last evaluated: 2025-12-22. Review status: criteria provided, single submitter. Criteria: Invitae Variant Classification Sherloc (09022015). Collection method: clinical testing. Allele origin: germline.

Ambry Genetics
Classification: Uncertain significance for Inborn genetic diseases. Last evaluated: 2025-12-11. Review status: criteria provided, single submitter. Criteria: Ambry Variant Classification Scheme 2023. Collection method: clinical testing. Allele origin: germline.

Women's Health and Genetics/Laboratory Corporation of America, LabCorp
Classification: Uncertain significance. Last evaluated: 2025-10-06. Review status: criteria provided, single submitter. Criteria: LabCorp Variant Classification Summary - May 2015. Collection method: clinical testing. Allele origin: germline.
Comment: Variant summary: COL11A1 c.602A>G (p.Asn201Ser) results in a conservative amino acid change in the encoded protein sequence. Algorithms developed to predict the effect of missense changes on protein structure and function are either unavailable or do not agree on the potential impact of this missense change. The variant allele was found at a frequency of 8e-06 in 251012 control chromosomes. The available data on variant occurrences in the general population are insufficient to allow any conclusion about variant significance. To our knowledge, no occurrence of c.602A>G in individuals affected with COL11A1-related conditions and no experimental evidence demonstrating its impact on protein function have been reported. ClinVar contains an entry for this variant (Variation ID: 1052645). Based on the evidence outlined above, the variant was classified as uncertain significance.

Blueprint Genetics
Classification: Uncertain significance. Last evaluated: 2020-06-26. Review status: criteria provided, single submitter. Criteria: ACMG Guidelines, 2015. Collection method: clinical testing. Allele origin: germline.

NM_001854.4(COL11A1):c.602A>G (p.Asn201Ser)

Gene: COL11A1 (collagen type XI alpha 1 chain; minus strand). Cytogenetic location: 1p21.1.
Variant type: single nucleotide variant.
Coding change: c.602A>G on transcript NM_001854.4 (MANE Select); coding-DNA position 602, A replaced by G.
Protein change: p.Asn201Ser; replaces asparagine 201 with serine.
Molecular consequence: missense variant. On other transcripts: non-coding transcript variant (1).
Genome position (GRCh38, 1-based): chr1:103,074,667, T>C on the plus strand (A>G on the coding strand, the complement: COL11A1 is on the minus strand). VCF-style: chr1-103074667-T-C. GRCh37 (hg19) VCF-style: chr1-103540223-T-C.
Other names: c.602A>G, p.Asn201Ser (NM_001190709.2, NM_080629.3, NM_080630.4); c.602A>G (NM_001854.3); short protein forms N201S.
Identifiers: ClinVar variation 1052645 (VCV001052645.11), dbSNP rs201647477, ClinGen allele CA975404.
Genomic context (GRCh38, chr1:103,074,667, plus strand): 5'-TTTATTTTTACCTCAAAAACTTCTTCATCCAAAATCCTTGTTCCAAAAACCGTGATTCCA[T>C]TGGTATCAACAATTGCTCTCTCACTTCTATCAAGTGGTTTCGTGGTTTTCTTCTTACAAT-3'
Protein context (NP_001845.3, residues 191-211): DRSERAIVDT[Asn201Ser]GITVFGTRIL